The following is an entry in ClinVar:

NM_006445.4(PRPF8):c.3335G>A (p.Arg1112His)

Gene: PRPF8 (pre-mRNA processing factor 8; minus strand). Cytogenetic location: 17p13.3.
Variant type: single nucleotide variant.
Coding change: c.3335G>A on transcript NM_006445.4 (MANE Select); coding-DNA position 3335, G replaced by A.
Protein change: p.Arg1112His; replaces arginine 1112 with histidine.
Molecular consequence: missense variant.
Genome position (GRCh38, 1-based): chr17:1,673,857, C>T on the plus strand (G>A on the coding strand, the complement: PRPF8 is on the minus strand). VCF-style: chr17-1673857-C-T. GRCh37 (hg19) VCF-style: chr17-1577151-C-T.
Other names: short protein forms R1112H.
Identifiers: ClinVar variation 866688 (VCV000866688.8), dbSNP rs780480249, ClinGen allele CA8271896.

ClinVar aggregate classification (germline): Uncertain significance. Review status: criteria provided, multiple submitters, no conflicts (2 of 4 stars). 3 submissions from 3 submitters: Uncertain significance (3). Last evaluated 2026-04-09.

Conditions:
PRPF8-related disorder. Also called: PRPF8-related condition.

Allele frequency attached by ClinVar (database versions not stated): gnomAD exomes below 0.00001; ExAC 0.00001; gnomAD 0.00001; TOPMed 0.00001.
gnomAD v4.1: 6 of 1,613,846 alleles (0.00037%); highest among the groups gnomAD compares: Non-Finnish European, 0.00051%; no homozygotes.

Submissions (3):

PreventionGenetics, part of Exact Sciences
Classification: Uncertain significance for PRPF8-related condition. Last evaluated: 2026-04-09. Review status: criteria provided, single submitter. Criteria: ACMG Guidelines, 2015. Collection method: clinical testing. Allele origin: germline.
Comment: The PRPF8 c.3335G>A variant is predicted to result in the amino acid substitution p.Arg1112His. To our knowledge, this variant has not been reported in the literature. This variant is present in 0.00088% of alleles in individuals of European (Non-Finnish) descent in gnomAD. At this time, the clinical significance of this variant is uncertain due to the absence of conclusive functional and genetic evidence.

Labcorp Genetics (formerly Invitae), Labcorp
Classification: Uncertain significance. Last evaluated: 2025-09-22. Review status: criteria provided, single submitter. Criteria: Invitae Variant Classification Sherloc (09022015). Collection method: clinical testing. Allele origin: germline.
Comment: This sequence change replaces arginine, which is basic and polar, with histidine, which is basic and polar, at codon 1112 of the PRPF8 protein (p.Arg1112His). This variant is present in population databases (rs780480249, gnomAD 0.0009%). This variant has not been reported in the literature in individuals affected with PRPF8-related conditions. ClinVar contains an entry for this variant (Variation ID: 866688). Invitae Evidence Modeling of protein sequence and biophysical properties (such as structural, functional, and spatial information, amino acid conservation, physicochemical variation, residue mobility, and thermodynamic stability) has been performed for this missense variant. However, the output from this modeling did not meet the statistical confidence thresholds required to predict the impact of this variant on PRPF8 protein function. In summary, the available evidence is currently insufficient to determine the role of this variant in disease. Therefore, it has been classified as a Variant of Uncertain Significance.

Blueprint Genetics
Classification: Uncertain significance. Last evaluated: 2023-02-22. Review status: criteria provided, single submitter. Criteria: ACMG Guidelines, 2015. Collection method: clinical testing. Allele origin: germline.